The following is an entry in ClinVar:

ClinVar aggregate classification (germline): Uncertain significance (1 of 4 stars; one submission).

Conditions:
Autosomal recessive limb-girdle muscular dystrophy type 2L (LGMDR12). Also called: Limb-girdle muscular dystrophy, type 2L; MUSCULAR DYSTROPHY, LIMB-GIRDLE, AUTOSOMAL RECESSIVE 12; Limb-Girdle Muscular Dystrophy R12 Anoctamin-5-Related (LGMD-R12). Identifiers: Orphanet 206549, MedGen C1969785, MONDO:0012652, OMIM 611307.
Gnathodiaphyseal dysplasia (GDD). Also called: OSTEOGENESIS IMPERFECTA WITH UNUSUAL SKELETAL LESIONS; GNATHODIAPHYSEAL SCLEROSIS. Identifiers: Orphanet 53697, MedGen C1833736, MONDO:0008151, OMIM 166260.

Submission:

Labcorp Genetics (formerly Invitae), Labcorp
Classification: Uncertain significance for Autosomal recessive limb-girdle muscular dystrophy type 2L; Gnathodiaphyseal dysplasia. Last evaluated: 2025-07-21. Review status: criteria provided, single submitter. Criteria: Invitae Variant Classification Sherloc (09022015). Collection method: clinical testing. Allele origin: germline.
Comment: This sequence change replaces glutamic acid, which is acidic and polar, with glutamine, which is neutral and polar, at codon 15 of the ANO5 protein (p.Glu15Gln). This variant is not present in population databases (gnomAD no frequency). This variant has not been reported in the literature in individuals affected with ANO5-related conditions. ClinVar contains an entry for this variant (Variation ID: 1052545). Invitae Evidence Modeling of protein sequence and biophysical properties (such as structural, functional, and spatial information, amino acid conservation, physicochemical variation, residue mobility, and thermodynamic stability) indicates that this missense variant is not expected to disrupt ANO5 protein function with a negative predictive value of 95%. In summary, the available evidence is currently insufficient to determine the role of this variant in disease. Therefore, it has been classified as a Variant of Uncertain Significance.

NM_213599.3(ANO5):c.43G>C (p.Glu15Gln)

Gene: ANO5 (anoctamin 5; plus strand). Cytogenetic location: 11p14.3.
Variant type: single nucleotide variant.
Coding change: c.43G>C on transcript NM_213599.3 (MANE Select); coding-DNA position 43, G replaced by C.
Protein change: p.Glu15Gln; replaces glutamic acid 15 with glutamine.
Molecular consequence: missense variant.
Genome position (GRCh38, 1-based): chr11:22,203,806, G>C. VCF-style: chr11-22203806-G-C. GRCh37 (hg19) VCF-style: chr11-22225352-G-C.
Other names: c.43G>C, p.Glu15Gln (NM_001142649.2); short protein forms E15Q.
Identifiers: ClinVar variation 1052545 (VCV001052545.9), dbSNP rs2133520474, ClinGen allele CA379923107.
Genomic context (GRCh38, chr11:22,203,806, plus strand): 5'-GAATATGTTCTGATCAGTGGCTAATTTAACATGTTTTTCTCTTTCTTATTTAATTTAGGG[G>C]AAAAAGTCAATAAGCATATAGACTACTCTTTCCAAATGAGTGAGGTAAGTTAAATATATA-3'
Protein context (NP_998764.1, residues 5-25): DLLEVLAEEG[Glu15Gln]KVNKHIDYSF